The following is an entry in ClinVar:

ClinVar aggregate classification (germline): Likely benign (1 of 4 stars; one submission).

Conditions:
PKD1-related disorder. Also called: PKD1-related condition.

gnomAD v4.1: 2 of 1,610,652 alleles (0.00012%); highest among the groups gnomAD compares: Admixed American, 0.0033%; no homozygotes.

Submission:

PreventionGenetics, part of Exact Sciences
Classification: Likely benign for PKD1-related condition. Last evaluated: 2025-09-09. Review status: criteria provided, single submitter. Criteria: ACMG Guidelines, 2015. Collection method: clinical testing. Allele origin: germline.
Comment: This variant is classified as likely benign based on ACMG/AMP sequence variant interpretation guidelines (Richards et al. 2015 PMID: 25741868, with internal and published modifications).

NM_001009944.3(PKD1):c.9642G>A (p.Leu3214=)

Gene: PKD1 (polycystin 1, transient receptor potential channel interacting; minus strand). Cytogenetic location: 16p13.3.
Variant type: single nucleotide variant.
Coding change: c.9642G>A on transcript NM_001009944.3 (MANE Select); coding-DNA position 9642, G replaced by A.
Protein change: p.Leu3214=; no amino-acid change (leucine 3214 retained).
Molecular consequence: synonymous variant.
Genome position (GRCh38, 1-based): chr16:2,100,236, C>T on the plus strand (G>A on the coding strand, the complement: PKD1 is on the minus strand). VCF-style: chr16-2100236-C-T. GRCh37 (hg19) VCF-style: chr16-2150237-C-T.
Other names: c.9642G>A, p.Leu3214= (NM_000296.4).
Identifiers: ClinVar variation 4990098 (VCV004990098.1).
Genomic context (GRCh38, chr16:2,100,236, plus strand): 5'-CACCTCCTTCTCCACCAGGCCCCCGTTGGCCTCCGTCTCCACCGAAAGCCAGTCATTGAC[C>T]AGGAAGAAGGCGCTGCGTGCCGTCTGCAGGTCCCTGACGATGACGTGCTGCAGGAACCAG-3'
Protein context (NP_001009944.3, residues 3204-3224): DLQTARSAFF[Leu3214=]VNDWLSVETE